The following is an entry in ClinVar:

NM_000188.3(HK1):c.2126G>T (p.Trp709Leu)

Gene: HK1 (hexokinase 1; plus strand). Cytogenetic location: 10q22.1.
Variant type: single nucleotide variant.
Coding change: c.2126G>T on transcript NM_000188.3 (MANE Select); coding-DNA position 2126, G replaced by T.
Protein change: p.Trp709Leu; replaces tryptophan 709 with leucine.
Molecular consequence: missense variant.
Genome position (GRCh38, 1-based): chr10:69,392,215, G>T. VCF-style: chr10-69392215-G-T. GRCh37 (hg19) VCF-style: chr10-71151971-G-T.
Other names: c.2138G>T, p.Trp713Leu (NM_033498.3, NM_001322364.2, NM_001358263.1 and 1 more transcripts); c.2090G>T, p.Trp697Leu (NM_033500.2); c.2126G>T (NM_000188.2); c.2231G>T, p.Trp744Leu (NM_001322365.2); c.2042G>T, p.Trp681Leu (NM_001322366.1); c.2030G>T, p.Trp677Leu (NM_001322367.1); c.2123G>T, p.Trp708Leu (NM_033496.3); short protein forms W677L, W697L, W708L, W709L, W744L, W681L, W713L.
Identifiers: ClinVar variation 1046819 (VCV001046819.8), dbSNP rs776649544, ClinGen allele CA5532782.

ClinVar aggregate classification (germline): Uncertain significance. Review status: criteria provided, multiple submitters, no conflicts (2 of 4 stars). 3 submissions from 3 submitters: Uncertain significance (3). Last evaluated 2025-12-29.

Conditions:
HK1-related disorder. Also called: HK1-related condition; HK1-related disorders.

Allele frequency attached by ClinVar (database versions not stated): TOPMed 0.00004; ExAC 0.00005.
gnomAD v4.1: 50 of 1,614,052 alleles (0.0031%); highest among the groups gnomAD compares: Admixed American, 0.0033%; no homozygotes.

Submissions (3):

PreventionGenetics, part of Exact Sciences
Classification: Uncertain significance for HK1-related condition. Last evaluated: 2025-12-29. Review status: criteria provided, single submitter. Criteria: ACMG Guidelines, 2015. Collection method: clinical testing. Allele origin: germline.
Comment: The HK1 c.2126G>T variant is predicted to result in the amino acid substitution p.Trp709Leu. To our knowledge, this variant has not been reported in the literature. This variant is reported in 0.11% of alleles in individuals of Ashkenazi Jewish descent in gnomAD, which may be too frequent to be a primary cause of disease. Although we suspect that this variant may be benign, at this time, the clinical significance of this variant is uncertain due to the absence of conclusive functional and genetic evidence.

Labcorp Genetics (formerly Invitae), Labcorp
Classification: Uncertain significance. Last evaluated: 2025-04-03. Review status: criteria provided, single submitter. Criteria: Invitae Variant Classification Sherloc (09022015). Collection method: clinical testing. Allele origin: germline.
Comment: This sequence change replaces tryptophan, which is neutral and slightly polar, with leucine, which is neutral and non-polar, at codon 709 of the HK1 protein (p.Trp709Leu). This variant is present in population databases (rs776649544, gnomAD 0.1%). This variant has not been reported in the literature in individuals affected with HK1-related conditions. ClinVar contains an entry for this variant (Variation ID: 1046819). Invitae Evidence Modeling of protein sequence and biophysical properties (such as structural, functional, and spatial information, amino acid conservation, physicochemical variation, residue mobility, and thermodynamic stability) indicates that this missense variant is not expected to disrupt HK1 protein function with a negative predictive value of 80%. In summary, the available evidence is currently insufficient to determine the role of this variant in disease. Therefore, it has been classified as a Variant of Uncertain Significance.

ARUP Laboratories, Molecular Genetics and Genomics, ARUP Laboratories
Classification: Uncertain significance. Last evaluated: 2024-06-21. Review status: criteria provided, single submitter. Criteria: ARUP Molecular Germline Variant Investigation Process 2024. Collection method: clinical testing. Allele origin: germline.